The following is an entry in ClinVar:

ClinVar aggregate classification (germline): Conflicting classifications of pathogenicity. Review status: criteria provided, conflicting classifications (1 of 4 stars). 5 submissions from 4 submitters: Uncertain significance (3); Benign (1). 1 of the submissions does not count toward it. Last evaluated 2024-09-13.

Conditions:
ARL6-related disorder. Also called: ARL6-related condition.
Retinitis pigmentosa (RP). Identifiers: Orphanet 791, MedGen C0035334, MeSH D012174, MONDO:0019200, OMIM 268000. Inheritance: Autosomal dominant, autosomal recessive and X linked inheritance.
Bardet-Biedl syndrome 3 (BBS3). Identifiers: Orphanet 110, MedGen C1859564, MONDO:0010832, OMIM 600151.
Retinitis pigmentosa 55 (RP55). Identifiers: Orphanet 791, MedGen C3150808, MONDO:0013312, OMIM 613575.

Allele frequency attached by ClinVar (database versions not stated): gnomAD exomes 0.00003 and 0.00007; TOPMed 0.00004; gnomAD 0.00005; ExAC 0.00007.
gnomAD v4.1: 53 of 1,612,194 alleles (0.0033%); highest among the groups gnomAD compares: African/African-American, 0.0013%; no homozygotes.

Submissions (5):

Blueprint Genetics
Classification: Benign. Last evaluated: 2024-09-13. Review status: criteria provided, single submitter. Criteria: ACMG Guidelines, 2015. Collection method: clinical testing. Allele origin: germline.

Labcorp Genetics (formerly Invitae), Labcorp
Classification: Uncertain significance for Retinitis pigmentosa 55; Bardet-Biedl syndrome 3. Last evaluated: 2022-09-01. Review status: criteria provided, single submitter. Criteria: Invitae Variant Classification Sherloc (09022015). Collection method: clinical testing. Allele origin: germline.
Comment: This sequence change replaces asparagine, which is neutral and polar, with aspartic acid, which is acidic and polar, at codon 41 of the ARL6 protein (p.Asn41Asp). This variant is present in population databases (rs201618364, gnomAD 0.1%). This variant has not been reported in the literature in individuals affected with ARL6-related conditions. ClinVar contains an entry for this variant (Variation ID: 899728). Algorithms developed to predict the effect of missense changes on protein structure and function (SIFT, PolyPhen-2, Align-GVGD) all suggest that this variant is likely to be tolerated. Algorithms developed to predict the effect of sequence changes on RNA splicing suggest that this variant may create or strengthen a splice site. In summary, the available evidence is currently insufficient to determine the role of this variant in disease. Therefore, it has been classified as a Variant of Uncertain Significance.

Illumina Laboratory Services, Illumina
Classification: Uncertain significance for Retinitis pigmentosa. Last evaluated: 2017-04-28. Review status: criteria provided, single submitter. Criteria: ICSL Variant Classification Criteria 13 December 2019. Collection method: clinical testing. Allele origin: germline.

Illumina Laboratory Services, Illumina
Classification: Uncertain significance for Bardet-Biedl syndrome 3. Last evaluated: 2017-04-28. Review status: criteria provided, single submitter. Criteria: ICSL Variant Classification Criteria 13 December 2019. Collection method: clinical testing. Allele origin: germline.

PreventionGenetics, part of Exact Sciences
Classification: Uncertain significance for ARL6-related condition. Last evaluated: 2024-05-30. Review status: no assertion criteria provided. Collection method: clinical testing. Allele origin: germline. Not counted in ClinVar's aggregate classification.
Comment: The ARL6 c.121A>G variant is predicted to result in the amino acid substitution p.Asn41Asp. To our knowledge, this variant has not been reported in the literature. This variant is reported in 0.15% of alleles in individuals of Ashkenazi Jewish descent in gnomAD. Although we suspect that this variant may be benign, at this time, the clinical significance of this variant is uncertain due to the absence of conclusive functional and genetic evidence.

NM_001278293.3(ARL6):c.121A>G (p.Asn41Asp)

Gene: ARL6 (ARF like GTPase 6; plus strand). Cytogenetic location: 3q11.2.
Variant type: single nucleotide variant.
Coding change: c.121A>G on transcript NM_001278293.3 (MANE Select); coding-DNA position 121, A replaced by G.
Protein change: p.Asn41Asp; replaces asparagine 41 with aspartic acid.
Molecular consequence: missense variant. On other transcripts: non-coding transcript variant (7).
Genome position (GRCh38, 1-based): chr3:97,768,228, A>G. VCF-style: chr3-97768228-A-G. GRCh37 (hg19) VCF-style: chr3-97487072-A-G.
Other names: c.121A>G, p.Asn41Asp (NM_001323513.2, NM_001323514.2, NM_032146.5 and 1 more transcripts); short protein forms N41D.
Identifiers: ClinVar variation 899728 (VCV000899728.8), dbSNP rs201618364, ClinGen allele CA2505854.